The following is an entry in ClinVar:

NM_002691.4(POLD1):c.2770_2772del (p.Tyr924del)

Gene: POLD1 (DNA polymerase delta 1, catalytic subunit; plus strand). Cytogenetic location: 19q13.33.
Variant type: Deletion.
Coding change: c.2770_2772del on transcript NM_002691.4 (MANE Select); coding-DNA positions 2770 to 2772, 3 bases deleted (TAC; older notation c.2770_2772delTAC).
Protein change: p.Tyr924del; deletes tyrosine 924.
Molecular consequence: inframe deletion.
Genome position (GRCh38, 1-based): chr19:50,415,776-50,415,778, TAC deleted; deleting any 3 consecutive bases within chr19:50,415,775-50,415,778 gives the same sequence; the c. name uses the placement nearest the transcript's 3' end. VCF-style (leftmost placement, unchanged base first): chr19-50415774-CCTA-C. GRCh37 (hg19) VCF-style: chr19-50919031-CCTA-C.
Other names: c.2770_2772del, p.Tyr924del (NM_001256849.1); c.2848_2850del, p.Tyr950del (NM_001308632.1); short protein forms Y924del, Y950del.
Identifiers: ClinVar variation 1878852 (VCV001878852.1), dbSNP rs2514058248, ClinGen allele CA2580097826.

ClinVar aggregate classification (germline): Uncertain significance (1 of 4 stars; one submission).

Submission:

GeneDx
Classification: Uncertain significance. Last evaluated: 2022-07-15. Review status: criteria provided, single submitter. Criteria: GeneDx Variant Classification Process June 2021. Collection method: clinical testing. Allele origin: germline. Affected: yes.
Comment: Not observed at significant frequency in large population cohorts (gnomAD); In-frame deletion of 1 amino acid in a non-repeat region; In silico analysis supports a deleterious effect on protein structure/function; Has not been previously published as pathogenic or benign to our knowledge